The following is an entry in ClinVar:

NM_000326.5(RLBP1):c.807C>T (p.His269=)

Gene: RLBP1 (retinaldehyde binding protein 1; minus strand). Cytogenetic location: 15q26.1.
Variant type: single nucleotide variant.
Coding change: c.807C>T on transcript NM_000326.5 (MANE Select); coding-DNA position 807, C replaced by T.
Protein change: p.His269=; no amino-acid change (histidine 269 retained).
Molecular consequence: synonymous variant.
Genome position (GRCh38, 1-based): chr15:89,210,432, G>A on the plus strand (C>T on the coding strand, the complement: RLBP1 is on the minus strand). VCF-style: chr15-89210432-G-A. GRCh37 (hg19) VCF-style: chr15-89753663-G-A.
Identifiers: ClinVar variation 317233 (VCV000317233.16), dbSNP rs62640017, ClinGen allele CA7722166.

ClinVar aggregate classification (germline): Conflicting classifications of pathogenicity. Review status: criteria provided, conflicting classifications (1 of 4 stars). 5 submissions from 3 submitters: Uncertain significance (1); Benign (2); Likely benign (2). Last evaluated 2026-02-02.

Conditions:
Retinitis pigmentosa (RP). Identifiers: Orphanet 791, MedGen C0035334, MeSH D012174, MONDO:0019200, OMIM 268000. Inheritance: Autosomal dominant, autosomal recessive and X linked inheritance.
Newfoundland cone-rod dystrophy. Identifiers: MedGen C1843815, MONDO:0011839, OMIM 607476.
Pigmentary retinal dystrophy. Also called: Fundus albipunctatus. Identifiers: Orphanet 227796, Orphanet 52427, MedGen C0311338, MONDO:0007639, OMIM 136880, HP:0030642.

Allele frequency attached by ClinVar (database versions not stated): gnomAD exomes 0.00073 and 0.00177; ExAC 0.00193; 1000 Genomes Project 0.00479; 1000 Genomes Project 30x 0.00562; gnomAD 0.00597 and 0.00638; ESP Exome Variant Server 0.00654; TOPMed 0.00703.
gnomAD v4.1: 1,978 of 1,614,148 alleles (0.12%); highest among the groups gnomAD compares: African/African-American, 2.1%; 14 homozygotes.

Submissions (5):

Labcorp Genetics (formerly Invitae), Labcorp
Classification: Benign. Last evaluated: 2026-02-02. Review status: criteria provided, single submitter. Criteria: Invitae Variant Classification Sherloc (09022015). Collection method: clinical testing. Allele origin: germline.

Blueprint Genetics
Classification: Likely benign. Last evaluated: 2024-10-24. Review status: criteria provided, single submitter. Criteria: ACMG Guidelines, 2015. Collection method: clinical testing. Allele origin: germline.

Illumina Laboratory Services, Illumina
Classification: Uncertain significance for Retinitis pigmentosa. Last evaluated: 2018-01-13. Review status: criteria provided, single submitter. Criteria: ICSL Variant Classification Criteria 13 December 2019. Collection method: clinical testing. Allele origin: germline.

Illumina Laboratory Services, Illumina
Classification: Benign for Newfoundland cone-rod dystrophy. Last evaluated: 2018-01-13. Review status: criteria provided, single submitter. Criteria: ICSL Variant Classification Criteria 13 December 2019. Collection method: clinical testing. Allele origin: germline.
Comment: This variant was observed in the ICSL laboratory as part of a predisposition screen in an ostensibly healthy population. It had not been previously curated by ICSL or reported in the Human Gene Mutation Database (HGMD: prior to June 1st, 2018), and was therefore a candidate for classification through an automated scoring system. Utilizing variant allele frequency, disease prevalence and penetrance estimates, and inheritance mode, an automated score was calculated to assess if this variant is too frequent to cause the disease. Based on the score and internal cut-off values, a variant classified as benign is not then subjected to further curation. The score for this variant resulted in a classification of benign for this disease.

Illumina Laboratory Services, Illumina
Classification: Likely benign for Pigmentary retinal dystrophy. Last evaluated: 2018-01-13. Review status: criteria provided, single submitter. Criteria: ICSL Variant Classification Criteria 13 December 2019. Collection method: clinical testing. Allele origin: germline.
Comment: This variant was observed in the ICSL laboratory as part of a predisposition screen in an ostensibly healthy population. It had not been previously curated by ICSL or reported in the Human Gene Mutation Database (HGMD: prior to June 1st, 2018), and was therefore a candidate for classification through an automated scoring system. Utilizing variant allele frequency, disease prevalence and penetrance estimates, and inheritance mode, an automated score was calculated to assess if this variant is too frequent to cause the disease. Based on the score and internal cut-off values, a variant classified as likely benign is not then subjected to further curation. The score for this variant resulted in a classification of likely benign for this disease.